The following is an entry in ClinVar:

NM_001142966.3(GREB1L):c.920C>T (p.Pro307Leu)

Genes: GREB1L (GREB1 like retinoic acid receptor coactivator; plus strand), GREB1L-AS1 (GREB1L antisense RNA 1; minus strand). Cytogenetic location: 18q11.1.
Variant type: single nucleotide variant.
Coding change: c.920C>T on transcript NM_001142966.3 (MANE Select); coding-DNA position 920, C replaced by T.
Protein change: p.Pro307Leu; replaces proline 307 with leucine.
Molecular consequence: missense variant.
Genome position (GRCh38, 1-based): chr18:21,439,608, C>T. VCF-style: chr18-21439608-C-T. GRCh37 (hg19) VCF-style: chr18-19019569-C-T.
Other names: c.1049C>T, p.Pro350Leu (NM_001410867.1); c.920C>T, p.Pro307Leu (NM_001410868.1); short protein forms P307L, P350L.
Identifiers: ClinVar variation 2632375 (VCV002632375.1), dbSNP rs2511344570, ClinGen allele CA401798683.

ClinVar aggregate classification (germline): Uncertain significance (1 of 4 stars; one submission).

Conditions:
GREB1L-related disorder. Also called: GREB1L-related condition.

Submission:

PreventionGenetics, part of Exact Sciences
Classification: Uncertain significance for GREB1L-related condition. Last evaluated: 2023-06-20. Review status: criteria provided, single submitter. Criteria: ACMG Guidelines, 2015. Collection method: clinical testing. Allele origin: germline.
Comment: The GREB1L c.920C>T variant is predicted to result in the amino acid substitution p.Pro307Leu. To our knowledge, this variant has not been reported in the literature or in a large population database, indicating this variant is rare. At this time, the clinical significance of this variant is uncertain due to the absence of conclusive functional and genetic evidence.